The following is an entry in ClinVar:

NM_000059.4(BRCA2):c.8633-10G>C

Gene: BRCA2 (BRCA2 DNA repair associated; plus strand). Cytogenetic location: 13q13.1.
Variant type: single nucleotide variant.
Coding change: c.8633-10G>C on transcript NM_000059.4 (MANE Select); 10 bases into the intron before coding-DNA position 8633, G replaced by C.
Molecular consequence: intron variant.
Genome position (GRCh38, 1-based): chr13:32,376,660, G>C. VCF-style: chr13-32376660-G-C. GRCh37 (hg19) VCF-style: chr13-32950797-G-C.
Other names: c.8633-10G>C (NM_001432077.1, NM_001406720.1); c.8537-10G>C (NM_001406719.1); c.3701-10G>C (NM_001406721.1); c.2216-10G>C (NM_001406722.1).
Identifiers: ClinVar variation 3386258 (VCV003386258.1).

ClinVar aggregate classification (germline): Likely benign (1 of 4 stars; one submission).

Conditions:
BRCA2-related cancer predisposition. Identifiers: MedGen CN377758, MONDO:0700269.

gnomAD v4.1: 1 of 1,613,274 alleles (0.000062%); highest among the groups gnomAD compares: Middle Eastern, 0.017%; no homozygotes.

Submission:

All of Us Research Program, National Institutes of Health
Classification: Likely benign for BRCA2-related cancer predisposition. Last evaluated: 2024-04-25. Review status: criteria provided, single submitter. Criteria: ACMG Guidelines, 2015. Collection method: clinical testing. Allele origin: germline. Inheritance: Autosomal dominant inheritance. Observed: 1 variant allele, 1 heterozygote.
Comment: This study involves interpretation of variants in research participants for the purpose of population health screening. Participant phenotype was not available at the time of variant classification. Additional details can be found in publication PMID: 35346344, PMCID: PMC8962531